The following continues an entry in ClinVar:

NM_018359.5(UFSP2):c.344T>A (p.Val115Glu)

ClinVar aggregate classification (germline): Conflicting classifications of pathogenicity. Pathogenic (10); Likely pathogenic (6); Uncertain significance (1).

Submissions 12 to 23 of 23:

Payam Genetics Center, General Welfare Department of North Khorasan Province
Classification: Pathogenic for Developmental and epileptic encephalopathy, 1. Last evaluated: 2023-03-01. Review status: criteria provided, single submitter. Criteria: ACMG Guidelines, 2015. Collection method: clinical testing. Allele origin: germline. Affected: no. Observed: 4 variant alleles.
Comment: The UFSP2 c.344T>A mutation (p.Val115Glu) is a missense mutation and its result is a disfunctional protien, predicted lead to Spondyloepimetaphyseal dysplasia Di Rocco type.This variant is not present in population databases (ExAC no frequency) , was not found in 1000G, Genom AD exome, and Iranom. This variant has not been reported in the literature in individuals affected with UFSP2-related conditions. This variant predicted as Pathogenic according to ACMG.

Institute of Human Genetics, University of Leipzig Medical Center
Classification: Likely pathogenic for Focal-onset seizure; Severe global developmental delay; Epileptic encephalopathy. Last evaluated: 2021-10-01. Review status: criteria provided, single submitter. Criteria: ACMG Guidelines, 2015. Collection method: clinical testing. Allele origin: unknown. Affected: yes.
Comment: This variant was identified as homozygous.

Labcorp Genetics (formerly Invitae), Labcorp
Classification: Uncertain significance. Last evaluated: 2021-09-02. Review status: criteria provided, single submitter. Criteria: Invitae Variant Classification Sherloc (09022015). Collection method: clinical testing. Allele origin: germline.
Comment: This sequence change replaces valine with glutamic acid at codon 115 of the UFSP2 protein (p.Val115Glu). The valine residue is moderately conserved and there is a moderate physicochemical difference between valine and glutamic acid. This variant is present in population databases (rs142500730, ExAC 0.1%). This missense change has been observed in individual(s) with UFSP2-related conditions (PMID: 33473208). It has also been observed to segregate with disease in related individuals. ClinVar contains an entry for this variant (Variation ID: 932944). Algorithms developed to predict the effect of missense changes on protein structure and function are either unavailable or do not agree on the potential impact of this missense change (SIFT: "Deleterious"; PolyPhen-2: "Possibly Damaging"; Align-GVGD: "Class C0"). In summary, the available evidence is currently insufficient to determine the role of this variant in disease. Therefore, it has been classified as a Variant of Uncertain Significance.

Kariminejad - Najmabadi Pathology & Genetics Center
Classification: Likely pathogenic for Abnormality of the nervous system. Last evaluated: 2021-07-10. Review status: criteria provided, single submitter. Criteria: ACMG Guidelines, 2015. Collection method: clinical testing. Allele origin: germline. Affected: yes.

Department of Genetics, Rouen University Hospital, Normandy Center for Genomic and Personalized Medicine
Classification: Pathogenic for Olivopontocerebellar hypoplasia. Last evaluated: 2021-06-11. Review status: criteria provided, single submitter. Criteria: ACMG Guidelines, 2015. Collection method: clinical testing. Allele origin: inherited. Affected: yes.

Kasturba Medical College, Manipal, Kasturba Medical College, Manipal, Manipal Academy of Higher Education, Manipal, India
Classification: Likely pathogenic for Developmental and epileptic encephalopathy 106. Review status: criteria provided, single submitter. Criteria: ACMG Guidelines, 2015. Collection method: clinical testing. Allele origin: germline. Inheritance: Autosomal recessive inheritance. Affected: yes. Observed: 1 homozygote.
Comment: This variant is present in 115 individuals in heterozygous state in the gnomAD (v4.1.0) population database (allele frequency:0.00007602). Also present in 5 individuals in heterozygous state and 7 individuals in homozygous state in our in-house data of 3596 exomes. In-silico analysis tools (REVEL, CADD_phred) predict the variant to be disease-causing and likely to affect the UFSP2 protein function.

Hong-Tao Li Lab, Institute of Brain Science and Brain-inspired Research, Shandong First Medical University & Shandong Academy of Medical Sciences China
Classification: Pathogenic for DEE106. Last evaluated: 2026-06-28. Review status: no assertion criteria provided. Collection method: research. Allele origin: germline. Inheritance: Autosomal recessive inheritance. Affected: yes. Observed: 3 variant alleles, 3 homozygotes. Clinical features observed: Neurodevelopmental disorder phenotype. Not counted in ClinVar's aggregate classification.

Department of Biotechnology and Genetic Engineering, Kohat University of Science and Technology
Classification: Likely pathogenic for Developmental and epileptic encephalopathy 106. Last evaluated: 2023-11-09. Review status: no assertion criteria provided. Collection method: research. Allele origin: germline. Inheritance: Autosomal recessive inheritance. Affected: yes and no. Observed: 4 variant alleles, 2 heterozygotes, 2 homozygotes. Not counted in ClinVar's aggregate classification.
Comment: The UFSP2 gene encodes a cysteine protease that participates in Ubiquitin-fold modifier 1 (UFM1) maturation in a process known as UFMylation and also releases UFM1 from UFMylated proteins in a process known as de-UFMylation. Both UFMylation and de-UFMylation are processes of post-translational protein modification, and functional studies have revealed that the loss of key components of these processes results in defects in embryogenesis, hematopoiesis, cellular differentiation, and brain development. Pathogenic variants (p.D426A, p.H428R, p.(Cys302Ser)) in two of the three components of the catalytic triad (Asp426 and His428) have already been associated with patients with different types of skeletal dysplasia. Homozygous variants (p.Val115Glu) were found to cause drug-refractory epilepsy and other brain defects. Specifically, p.Val115Glu was found to cause drug-refractory epilepsy and DD, whereas the Val115Glu variant was detected in patients with drug-refractory epilepsy, infantile spasms, and severe ID. In the current study, the p.Val115Glu variant was found to cause drug-refractory epilepsy, DD, ID, and anxiety in patients of a Pakistani family. Previous study findings suggested that variants observed in human skeletal dysplasia impact UFSP2's catalytic activity, whereas the homozygous p.Val115Glu variant found associated with brain defects impacts the N-terminal domain, including protein stability and interaction with UFMylated targets (PMID: 33473208).

Genetics and Genomic Medicine Centre, NeuroGen Healthcare, NeuroGen Healthcare
Classification: Pathogenic. Last evaluated: 2022-12-15. Review status: no assertion criteria provided. Collection method: clinical testing. Allele origin: unknown. Affected: yes. Not counted in ClinVar's aggregate classification.

OMIM
Classification: Pathogenic for DEVELOPMENTAL AND EPILEPTIC ENCEPHALOPATHY 106. Last evaluated: 2022-09-07. Review status: no assertion criteria provided. Collection method: literature only. Allele origin: germline. Not counted in ClinVar's aggregate classification.

Genetic and Metabolic Disease Program, Children's Medical Center Research Institute, UT Southwestern Medical Center at Dallas
Classification: Pathogenic for Seizure; Microcephaly; Intellectual disability. Last evaluated: 2020-12-30. Review status: no assertion criteria provided. Collection method: research. Allele origin: germline, not applicable. Inheritance: Autosomal recessive inheritance. Affected: yes. Observed: 8 variant alleles, 8 homozygotes. Clinical features observed: Global developmental delay (HP:0001263), Intellectual disability (HP:0001249), Seizure (HP:0001250), Microcephaly (HP:0000252). Functional consequence: effect on protein abundance. Not counted in ClinVar's aggregate classification.

Kasturba Medical College, Manipal, Kasturba Medical College, Manipal, Manipal Academy of Higher Education, Manipal, India
Classification: Likely pathogenic for UFSP2-related neurodevelopmental disorder. Review status: no assertion criteria provided. Collection method: clinical testing. Allele origin: germline. Inheritance: Autosomal recessive inheritance. Affected: yes. Not counted in ClinVar's aggregate classification.

Literature cited by the submitters: PubMed 33473208 (cited by 7 submitters); PMC 33473208 (cited by Kasturba Medical College, Manipal, Kasturba Medical College, Manipal, Manipal Academy of Higher Education, Manipal, India).